The following is an entry in ClinVar:

ClinVar aggregate classification (germline): Uncertain significance (1 of 4 stars; one submission).

Submission:

Labcorp Genetics (formerly Invitae), Labcorp
Classification: Uncertain significance. Last evaluated: 2022-07-19. Review status: criteria provided, single submitter. Criteria: Invitae Variant Classification Sherloc (09022015). Collection method: clinical testing. Allele origin: germline.
Comment: This sequence change replaces valine with methionine at codon 779 of the CDH3 protein (p.Val779Met). The valine residue is highly conserved and there is a small physicochemical difference between valine and methionine. In summary, the available evidence is currently insufficient to determine the role of this variant in disease. Therefore, it has been classified as a Variant of Uncertain Significance. Algorithms developed to predict the effect of missense changes on protein structure and function are either unavailable or do not agree on the potential impact of this missense change (SIFT: "Not Available"; PolyPhen-2: "Probably Damaging"; Align-GVGD: "Not Available"). ClinVar contains an entry for this variant (Variation ID: 1372391). This variant has not been reported in the literature in individuals affected with CDH3-related conditions. This variant is not present in population databases (gnomAD no frequency).

NM_001793.6(CDH3):c.2335G>A (p.Val779Met)

Gene: CDH3 (cadherin 3; plus strand). Cytogenetic location: 16q22.1.
Variant type: single nucleotide variant.
Coding change: c.2335G>A on transcript NM_001793.6 (MANE Select); coding-DNA position 2335, G replaced by A.
Protein change: p.Val779Met; replaces valine 779 with methionine.
Molecular consequence: missense variant. On other transcripts: 3 prime UTR variant (1).
Genome position (GRCh38, 1-based): chr16:68,698,245, G>A. VCF-style: chr16-68698245-G-A. GRCh37 (hg19) VCF-style: chr16-68732148-G-A.
Other names: c.*78G>A (NM_001317195.3); c.2170G>A, p.Val724Met (NM_001317196.2); short protein forms V724M, V779M.
Identifiers: ClinVar variation 1372391 (VCV001372391.6), dbSNP rs1434514845, ClinGen allele CA396456734.